The following is an entry in ClinVar:

NM_207037.2(TCF12):c.991G>T (p.Gly331Ter)

Gene: TCF12 (transcription factor 12; plus strand). Cytogenetic location: 15q21.3.
Variant type: single nucleotide variant.
Coding change: c.991G>T on transcript NM_207037.2 (MANE Select); coding-DNA position 991, G replaced by T.
Protein change: p.Gly331Ter; replaces glycine 331 with a stop codon.
Molecular consequence: nonsense.
Genome position (GRCh38, 1-based): chr15:57,234,063, G>T. VCF-style: chr15-57234063-G-T. GRCh37 (hg19) VCF-style: chr15-57526261-G-T.
Other names: c.481G>T, p.Gly161Ter (NM_001306219.3, NM_207040.2); c.283G>T, p.Gly95Ter (NM_001306220.3); c.991G>T, p.Gly331Ter (NM_001322151.2, NM_001322152.2, NM_001322157.3 and 7 more transcripts); c.334G>T, p.Gly112Ter (NM_001322154.2); c.817G>T, p.Gly273Ter (NM_001322156.2, NM_001322158.2); c.1027G>T, p.Gly343Ter (NM_001322164.2); short protein forms G161*, G343*, G273*, G112*, G331*, G95*.
Identifiers: ClinVar variation 4715300 (VCV004715300.1).

ClinVar aggregate classification (germline): Pathogenic (1 of 4 stars; one submission).

Submission:

Labcorp Genetics (formerly Invitae), Labcorp
Classification: Pathogenic. Last evaluated: 2025-03-18. Review status: criteria provided, single submitter. Criteria: Invitae Variant Classification Sherloc (09022015). Collection method: clinical testing. Allele origin: germline.
Comment: This sequence change creates a premature translational stop signal (p.Gly331*) in the TCF12 gene. It is expected to result in an absent or disrupted protein product. Loss-of-function variants in TCF12 are known to be pathogenic (PMID: 23354436, 32620954). This variant is not present in population databases (gnomAD no frequency). This variant has not been reported in the literature in individuals affected with TCF12-related conditions. For these reasons, this variant has been classified as Pathogenic.

Literature cited by the submitters: PubMed 23354436; PubMed 32620954.